The following is an entry in ClinVar:

NC_000001.10:g.(?_243493822)_(243494014_?)dup

Gene: SDCCAG8 (SHH signaling and ciliogenesis regulator SDCCAG8; plus strand). Cytogenetic location: 1q43.
Variant type: Duplication.
Identifiers: ClinVar variation 1433327 (VCV001433327.4).

ClinVar aggregate classification (germline): Uncertain significance (1 of 4 stars; one submission).

Conditions:
Bardet-Biedl syndrome 16 (BBS16). Identifiers: Orphanet 110, MedGen C3889474, MONDO:0014444, OMIM 615993.
Senior-Loken syndrome 7 (SLSN7). Identifiers: Orphanet 3156, MedGen C3150877, MONDO:0013326, OMIM 613615.

Submission:

Labcorp Genetics (formerly Invitae), Labcorp
Classification: Uncertain significance for Bardet-Biedl syndrome 16; Senior-Loken syndrome 7. Last evaluated: 2022-07-01. Review status: criteria provided, single submitter. Criteria: Invitae Variant Classification Sherloc (09022015). Collection method: clinical testing. Allele origin: germline.
Comment: This variant results in a copy number gain of the genomic region encompassing exon(s) 10 of the SDCCAG8 gene. While the exact position of this variant cannot be determined from the data, sub-genic copy number gains are generally in tandem (PMID: 25640679). This variant is predicted to be in-frame, and likely preserves the integrity of the reading frame. This variant has not been reported in the literature in individuals affected with SDCCAG8-related conditions. Experimental studies and prediction algorithms are not available or were not evaluated, and the functional significance of this variant is currently unknown. In summary, the available evidence is currently insufficient to determine the role of this variant in disease. Therefore, it has been classified as a Variant of Uncertain Significance.

Literature cited by the submitters: PubMed 25640679.